The following is an entry in ClinVar:

ClinVar aggregate classification (germline): Uncertain significance (1 of 4 stars; one submission).

Allele frequency attached by ClinVar (database versions not stated): ExAC 0.00004; gnomAD exomes 0.00005.
gnomAD v4.1: 28 of 1,612,378 alleles (0.0017%); highest among the groups gnomAD compares: South Asian, 0.03%; no homozygotes.

Submission:

Labcorp Genetics (formerly Invitae), Labcorp
Classification: Uncertain significance. Last evaluated: 2023-12-11. Review status: criteria provided, single submitter. Criteria: Invitae Variant Classification Sherloc (09022015). Collection method: clinical testing. Allele origin: germline.
Comment: This sequence change replaces lysine, which is basic and polar, with asparagine, which is neutral and polar, at codon 57 of the CEP19 protein (p.Lys57Asn). This variant is present in population databases (rs762578885, gnomAD 0.04%). This variant has not been reported in the literature in individuals affected with CEP19-related conditions. ClinVar contains an entry for this variant (Variation ID: 1462389). An algorithm developed to predict the effect of missense changes on protein structure and function (PolyPhen-2) suggests that this variant is likely to be disruptive. In summary, the available evidence is currently insufficient to determine the role of this variant in disease. Therefore, it has been classified as a Variant of Uncertain Significance.

NM_032898.5(CEP19):c.159G>T (p.Lys53Asn)

Gene: CEP19 (centrosomal protein 19; minus strand). Cytogenetic location: 3q29.
Variant type: single nucleotide variant.
Coding change: c.159G>T on transcript NM_032898.5 (MANE Select); coding-DNA position 159, G replaced by T.
Protein change: p.Lys53Asn; replaces lysine 53 with asparagine.
Molecular consequence: missense variant.
Genome position (GRCh38, 1-based): chr3:196,707,884, C>A on the plus strand (G>T on the coding strand, the complement: CEP19 is on the minus strand). VCF-style: chr3-196707884-C-A. GRCh37 (hg19) VCF-style: chr3-196434755-C-A.
Other names: c.54G>T, p.Lys18Asn (NM_001379468.1); c.159G>T, p.Lys53Asn (NM_001379469.1, NM_001379470.1); short protein forms K53N, K18N.
Identifiers: ClinVar variation 1462389 (VCV001462389.5), dbSNP rs762578885, ClinGen allele CA2782134.
Genomic context (GRCh38, chr3:196,707,884, plus strand): 5'-TAGCTTCTCTAGCTGCCTCAGGGATACTTGTTCTAGGTAACTCTTGTGTCGCGGATTATT[C>A]TTTAATTGTTCAGCAGCTCTGGTGCAATCTGGGAGAGAGAAGAAAACTATATACCACATA-3'
Protein context (NP_116287.3, residues 43-63): SDCTRAAEQL[Lys53Asn]NNPRHKSYLE